The following is an entry in ClinVar:

ClinVar aggregate classification (germline): Uncertain significance (1 of 4 stars; one submission).

Conditions:
Fructose-biphosphatase deficiency (FBP1D). Also called: Fructose-1,6-Bisphosphatase 1 Deficiency; Fructose 1,6 Bisphosphatase Deficiency; Fructose-1,6-Diphosphatase Deficiency. Identifiers: Orphanet 348, MedGen C0016756, MONDO:0009251, OMIM 229700.

Allele frequency attached by ClinVar (database versions not stated): ExAC 0.00001; gnomAD 0.00001; gnomAD exomes 0.00001.
gnomAD v4.1: 6 of 1,614,046 alleles (0.00037%); highest among the groups gnomAD compares: South Asian, 0.0033%; no homozygotes.

Submission:

Labcorp Genetics (formerly Invitae), Labcorp
Classification: Uncertain significance for Fructose-biphosphatase deficiency. Last evaluated: 2021-10-14. Review status: criteria provided, single submitter. Criteria: Invitae Variant Classification Sherloc (09022015). Collection method: clinical testing. Allele origin: germline.
Comment: This sequence change replaces leucine with proline at codon 326 of the FBP1 protein (p.Leu326Pro). The leucine residue is weakly conserved and there is a moderate physicochemical difference between leucine and proline. This variant is present in population databases (rs759227114, ExAC 0.002%). This variant has been observed in individual(s) with clinical features of FBP1-related conditions (Invitae). ClinVar contains an entry for this variant (Variation ID: 658878). Advanced modeling of protein sequence and biophysical properties (such as structural, functional, and spatial information, amino acid conservation, physicochemical variation, residue mobility, and thermodynamic stability) performed at Invitae indicates that this missense variant is not expected to disrupt FBP1 protein function. In summary, the available evidence is currently insufficient to determine the role of this variant in disease. Therefore, it has been classified as a Variant of Uncertain Significance.

NM_000507.4(FBP1):c.977T>C (p.Leu326Pro)

Gene: FBP1 (fructose-bisphosphatase 1; minus strand). Cytogenetic location: 9q22.32.
Variant type: single nucleotide variant.
Coding change: c.977T>C on transcript NM_000507.4 (MANE Select); coding-DNA position 977, T replaced by C.
Protein change: p.Leu326Pro; replaces leucine 326 with proline.
Molecular consequence: missense variant.
Genome position (GRCh38, 1-based): chr9:94,603,421, A>G on the plus strand (T>C on the coding strand, the complement: FBP1 is on the minus strand). VCF-style: chr9-94603421-A-G. GRCh37 (hg19) VCF-style: chr9-97365703-A-G.
Other names: c.977T>C, p.Leu326Pro (NM_001127628.2); short protein forms L326P.
Identifiers: ClinVar variation 658878 (VCV000658878.4), dbSNP rs759227114, ClinGen allele CA5136056.